The following is an entry in ClinVar:

NM_000059.4(BRCA2):c.5335G>C (p.Val1779Leu)

Gene: BRCA2 (BRCA2 DNA repair associated; plus strand). Cytogenetic location: 13q13.1.
Variant type: single nucleotide variant.
Coding change: c.5335G>C on transcript NM_000059.4 (MANE Select); coding-DNA position 5335, G replaced by C.
Protein change: p.Val1779Leu; replaces valine 1779 with leucine.
Molecular consequence: missense variant. On other transcripts: non-coding transcript variant (1), intron variant (2).
Genome position (GRCh38, 1-based): chr13:32,339,690, G>C. VCF-style: chr13-32339690-G-C. GRCh37 (hg19) VCF-style: chr13-32913827-G-C.
Other names: c.5335G>C, p.Val1779Leu (NM_001406719.1, NM_001406720.1, NM_001432077.1); c.1910-4868G>C (NM_001406721.1); c.425-4868G>C (NM_001406722.1); short protein forms V1779L.
Identifiers: ClinVar variation 5033333 (VCV005033333.1).
Genomic context (GRCh38, chr13:32,339,690, plus strand): 5'-GATTCAGGATATCTCTCAAAAAATAAACTTGATTCTGGTATTGAGCCAGTATTGAAGAAT[G>C]TTGAAGATCAAAAAAACACTAGTTTTTCCAAAGTAATATCCAATGTAAAAGATGCAAATG-3'
Protein context (NP_000050.3, residues 1769-1789): DSGIEPVLKN[Val1779Leu]EDQKNTSFSK

ClinVar aggregate classification (germline): Uncertain significance (1 of 4 stars; one submission).

Conditions:
Hereditary cancer-predisposing syndrome. Also called: Neoplastic Syndromes, Hereditary; Tumor predisposition; Hereditary neoplastic syndrome; Hereditary Cancer Syndrome. Identifiers: Orphanet 140162, MedGen C0027672, MeSH D009386, MONDO:0015356.

Submission:

Ambry Genetics
Classification: Uncertain significance for Hereditary cancer-predisposing syndrome. Last evaluated: 2026-08-02. Review status: criteria provided, single submitter. Criteria: Ambry Variant Classification Scheme 2023. Collection method: clinical testing. Allele origin: germline.
Comment: The p.V1779L variant (also known as c.5335G>C), located in coding exon 10 of the BRCA2 gene, results from a G to C substitution at nucleotide position 5335. The valine at codon 1779 is replaced by leucine, an amino acid with highly similar properties. This amino acid position is conserved. In addition, this alteration is predicted to be tolerated by in silico analysis. Based on the available evidence, the clinical significance of this variant remains unclear.